The following is an entry in ClinVar:

NM_001029896.2(WDR45):c.835C>T (p.Arg279Cys)

Gene: WDR45 (WD repeat domain 45; minus strand). Cytogenetic location: Xp11.23.
Variant type: single nucleotide variant.
Coding change: c.835C>T on transcript NM_001029896.2 (MANE Select); coding-DNA position 835, C replaced by T.
Protein change: p.Arg279Cys; replaces arginine 279 with cysteine.
Molecular consequence: missense variant.
Genome position (GRCh38, 1-based): chrX:49,075,274, G>A on the plus strand (C>T on the coding strand, the complement: WDR45 is on the minus strand). VCF-style: chrX-49075274-G-A. GRCh37 (hg19) VCF-style: chrX-48932933-G-A.
Other names: c.838C>T, p.Arg280Cys (NM_007075.4); short protein forms R279C, R280C.
Identifiers: ClinVar variation 3658005 (VCV003658005.2).

ClinVar aggregate classification (germline): Uncertain significance (1 of 4 stars; one submission).

Conditions:
Neurodegeneration with brain iron accumulation 5 (NBIA5). Also called: STATIC ENCEPHALOPATHY OF CHILDHOOD WITH NEURODEGENERATION IN ADULTHOOD; Beta-propeller protein-associated neurodegeneration. Identifiers: Orphanet 329284, MedGen C3550973, MONDO:0010476, OMIM 300894.

gnomAD v4.1: 1 of 1,210,956 alleles (0.000083%); highest among the groups gnomAD compares: Non-Finnish European, 0.00011%; no homozygotes.

Submission:

Labcorp Genetics (formerly Invitae), Labcorp
Classification: Uncertain significance for Neurodegeneration with brain iron accumulation 5. Last evaluated: 2024-06-26. Review status: criteria provided, single submitter. Criteria: Invitae Variant Classification Sherloc (09022015). Collection method: clinical testing. Allele origin: germline.
Comment: This sequence change replaces arginine, which is basic and polar, with cysteine, which is neutral and slightly polar, at codon 280 of the WDR45 protein (p.Arg280Cys). This variant is not present in population databases (gnomAD no frequency). This variant has not been reported in the literature in individuals affected with WDR45-related conditions. Advanced modeling of protein sequence and biophysical properties (such as structural, functional, and spatial information, amino acid conservation, physicochemical variation, residue mobility, and thermodynamic stability) performed at Invitae indicates that this missense variant is not expected to disrupt WDR45 protein function with a negative predictive value of 80%. In summary, the available evidence is currently insufficient to determine the role of this variant in disease. Therefore, it has been classified as a Variant of Uncertain Significance.